The following is an entry in ClinVar:

NM_003664.5(AP3B1):c.2899A>G (p.Lys967Glu)

Gene: AP3B1 (adaptor related protein complex 3 subunit beta 1; minus strand). Cytogenetic location: 5q14.1.
Variant type: single nucleotide variant.
Coding change: c.2899A>G on transcript NM_003664.5 (MANE Select); coding-DNA position 2899, A replaced by G.
Protein change: p.Lys967Glu; replaces lysine 967 with glutamic acid.
Molecular consequence: missense variant.
Genome position (GRCh38, 1-based): chr5:78,020,785, T>C on the plus strand (A>G on the coding strand, the complement: AP3B1 is on the minus strand). VCF-style: chr5-78020785-T-C. GRCh37 (hg19) VCF-style: chr5-77316609-T-C.
Other names: c.2752A>G, p.Lys918Glu (NM_001271769.2); short protein forms K967E, K918E.
Identifiers: ClinVar variation 3725675 (VCV003725675.2).

ClinVar aggregate classification (germline): Uncertain significance (1 of 4 stars; one submission).

Conditions:
Hermansky-Pudlak syndrome 2 (HPS2). Also called: Platelet defects and oculocutaneous albinism. Identifiers: Orphanet 183678, Orphanet 79430, MedGen C1842362, MONDO:0011997, OMIM 608233.

Submission:

Labcorp Genetics (formerly Invitae), Labcorp
Classification: Uncertain significance for Hermansky-Pudlak syndrome 2. Last evaluated: 2024-11-19. Review status: criteria provided, single submitter. Criteria: Invitae Variant Classification Sherloc (09022015). Collection method: clinical testing. Allele origin: germline.
Comment: This sequence change replaces lysine, which is basic and polar, with glutamic acid, which is acidic and polar, at codon 967 of the AP3B1 protein (p.Lys967Glu). This variant is not present in population databases (gnomAD no frequency). This variant has not been reported in the literature in individuals affected with AP3B1-related conditions. An algorithm developed to predict the effect of missense changes on protein structure and function (PolyPhen-2) suggests that this variant is likely to be tolerated. In summary, the available evidence is currently insufficient to determine the role of this variant in disease. Therefore, it has been classified as a Variant of Uncertain Significance.